The following is an entry in ClinVar:

NM_000081.4(LYST):c.7832G>A (p.Arg2611His)

Gene: LYST (lysosomal trafficking regulator; minus strand). Cytogenetic location: 1q42.3.
Variant type: single nucleotide variant.
Coding change: c.7832G>A on transcript NM_000081.4 (MANE Select); coding-DNA position 7832, G replaced by A.
Protein change: p.Arg2611His; replaces arginine 2611 with histidine.
Molecular consequence: missense variant.
Genome position (GRCh38, 1-based): chr1:235,746,476, C>T on the plus strand (G>A on the coding strand, the complement: LYST is on the minus strand). VCF-style: chr1-235746476-C-T. GRCh37 (hg19) VCF-style: chr1-235909776-C-T.
Other names: p.Arg2611His; c.7832G>A, p.Arg2611His (NM_001301365.1); c.7832G>A (NM_000081.2); short protein forms R2611H.
Identifiers: ClinVar variation 1441308 (VCV001441308.7), dbSNP rs147536126, ClinGen allele CA1466014.
Genomic context (GRCh38, chr1:235,746,476, plus strand): 5'-GGGTTCTCTTGGCTCATTCTCCGTTGCATCATCACATGAAGCTCATCATTTGCCACTGAA[C>T]GCATTTTCATCAGAAGCGATTCAGTTTGAGCAAGGGGAAATTTTCGAGGACCTTTAAAAG-3'
Protein context (NP_000072.2, residues 2601-2621): AQTESLLMKM[Arg2611His]SVANDELHVM

ClinVar aggregate classification (germline): Uncertain significance. Review status: criteria provided, multiple submitters, no conflicts (2 of 4 stars). 4 submissions from 4 submitters: Uncertain significance (4). Last evaluated 2025-10-16.

Conditions:
Inborn genetic diseases. Identifiers: MedGen C0950123, MeSH D030342.
Chédiak-Higashi syndrome (CHS). Also called: Chediak-Higashi Syndrome. Identifiers: Orphanet 167, MedGen C0007965, MONDO:0008963, OMIM 214500.

Allele frequency attached by ClinVar (database versions not stated): ExAC 0.00004; gnomAD exomes 0.00004; TOPMed 0.00006; ESP Exome Variant Server 0.00015.
gnomAD v4.1: 76 of 1,613,642 alleles (0.0047%); highest among the groups gnomAD compares: Non-Finnish European, 0.0059%; no homozygotes.

Submissions (4):

Mayo Clinic Laboratories, Mayo Clinic
Classification: Uncertain significance. Last evaluated: 2025-10-16. Review status: criteria provided, single submitter. Criteria: ACMG Guidelines, 2015. Collection method: clinical testing. Allele origin: germline. Observed: 1 variant allele.

Ambry Genetics
Classification: Uncertain significance for Inborn genetic diseases. Last evaluated: 2025-08-08. Review status: criteria provided, single submitter. Criteria: Ambry Variant Classification Scheme 2023. Collection method: clinical testing. Allele origin: germline.

Blueprint Genetics
Classification: Uncertain significance. Last evaluated: 2023-02-07. Review status: criteria provided, single submitter. Criteria: ACMG Guidelines, 2015. Collection method: clinical testing. Allele origin: germline.

Labcorp Genetics (formerly Invitae), Labcorp
Classification: Uncertain significance for Chédiak-Higashi syndrome. Last evaluated: 2022-03-20. Review status: criteria provided, single submitter. Criteria: Invitae Variant Classification Sherloc (09022015). Collection method: clinical testing. Allele origin: germline.
Comment: This sequence change replaces arginine, which is basic and polar, with histidine, which is basic and polar, at codon 2611 of the LYST protein (p.Arg2611His). This variant is present in population databases (rs147536126, gnomAD 0.01%). This variant has not been reported in the literature in individuals affected with LYST-related conditions. Algorithms developed to predict the effect of missense changes on protein structure and function are either unavailable or do not agree on the potential impact of this missense change (SIFT: "Deleterious"; PolyPhen-2: "Benign"; Align-GVGD: "Class C0"). In summary, the available evidence is currently insufficient to determine the role of this variant in disease. Therefore, it has been classified as a Variant of Uncertain Significance.